The following is an entry in ClinVar:

NM_001330063.2(ANKFY1):c.2397+8G>A

Gene: ANKFY1 (ankyrin repeat and FYVE domain containing 1; minus strand). Cytogenetic location: 17p13.2.
Variant type: single nucleotide variant.
Coding change: c.2397+8G>A on transcript NM_001330063.2 (MANE Select); 8 bases into the intron after coding-DNA position 2397, G replaced by A.
Molecular consequence: intron variant.
Genome position (GRCh38, 1-based): chr17:4,179,713, C>T on the plus strand (G>A on the coding strand, the complement: ANKFY1 is on the minus strand). VCF-style: chr17-4179713-C-T. GRCh37 (hg19) VCF-style: chr17-4083008-C-T.
Other names: c.2400+8G>A (NM_016376.5); c.2523+8G>A (NM_001257999.3).
Identifiers: ClinVar variation 5038996 (VCV005038996.1).
Genomic context (GRCh38, chr17:4,179,713, plus strand): 5'-TGCCATAGGAGGAGGCTTCCCTCATGCTGGGGCTACACCTCTCTCCCCGGAAAAGAGAAA[C>T]GACACACCTGTGCGTTCACGTTGGCACCAAACTCCAGAAGACACTGTACTGTCTCTTCCA-3'

ClinVar aggregate classification (germline): Likely benign (1 of 4 stars; one submission).

gnomAD v4.1: 1,025 of 1,613,446 alleles (0.064%); highest among the groups gnomAD compares: African/African-American, 1.2%; 6 homozygotes.

Submission:

CeGaT Center for Human Genetics Tuebingen
Classification: Likely benign. Last evaluated: 2026-08-01. Review status: criteria provided, single submitter. Criteria: CeGaT Center For Human Genetics Tuebingen Variant Classification Criteria Version 2. Collection method: clinical testing. Allele origin: germline. Affected: yes. Observed: 1 variant allele.
Comment: ANKFY1: BP4, BS1